The following is an entry in ClinVar:

NM_032383.5(HPS3):c.1135dup (p.Thr379fs)

Gene: HPS3 (HPS3 biogenesis of lysosomal organelles complex 2 subunit 1; plus strand). Cytogenetic location: 3q24.
Variant type: Duplication.
Coding change: c.1135dup on transcript NM_032383.5 (MANE Select); coding-DNA position 1135, one base duplicated (A; older notation c.1135dupA).
Protein change: p.Thr379fs; shifts the reading frame from threonine 379.
Molecular consequence: frameshift variant.
Genome position (GRCh38, 1-based): chr3:149,145,518, A duplicated. VCF-style (leftmost placement, unchanged base first): chr3-149145517-C-CA. GRCh37 (hg19) VCF-style: chr3-148863304-C-CA.
Other names: c.640dup, p.Thr214fs (NM_001308258.2); short protein forms T214fs, T379fs.
Identifiers: ClinVar variation 4816319 (VCV004816319.1).

ClinVar aggregate classification (germline): Likely pathogenic (1 of 4 stars; one submission).

Conditions:
Hermansky-Pudlak syndrome (HPS). Also called: ALBINISM WITH HEMORRHAGIC DIATHESIS AND PIGMENTED RETICULOENDOTHELIAL CELLS. Identifiers: Orphanet 79430, MedGen C0079504, MONDO:0019312.

Submission:

Natera, Inc.
Classification: Likely pathogenic for Hermansky-Pudlak syndrome. Last evaluated: 2024-09-26. Review status: criteria provided, single submitter. Criteria: Natera Variant Classification Schema (03/2026). Collection method: clinical testing. Allele origin: germline.
Comment: The c.1135dupA variant in HPS3 is a frameshift variant predicted to shift the reading frame beginning at codon 379 and leads to a stop codon 11 codons downstream. This variant is expected to result in nonsense mediated decay, truncation, or a dysfunctional protein product. This variant is rare in the general population with a frequency below the threshold expected for the associated phenotype(s). Given the available evidence, this variant is classified as Likely Pathogenic.